The following is an entry in ClinVar:

NM_000815.5(GABRD):c.1264A>G (p.Ile422Val)

Gene: GABRD (gamma-aminobutyric acid type A receptor subunit delta; plus strand). Cytogenetic location: 1p36.33.
Variant type: single nucleotide variant.
Coding change: c.1264A>G on transcript NM_000815.5 (MANE Select); coding-DNA position 1264, A replaced by G.
Protein change: p.Ile422Val; replaces isoleucine 422 with valine.
Molecular consequence: missense variant.
Genome position (GRCh38, 1-based): chr1:2,030,187, A>G. VCF-style: chr1-2030187-A-G. GRCh37 (hg19) VCF-style: chr1-1961626-A-G.
Other names: short protein forms I422V.
Identifiers: ClinVar variation 2826358 (VCV002826358.3), dbSNP rs2525648571, ClinGen allele CA337960933.

ClinVar aggregate classification (germline): Uncertain significance (1 of 4 stars; one submission).

Conditions:
Idiopathic generalized epilepsy. Also called: Generalised epilepsy; EIG. Identifiers: MedGen C0270850, MONDO:0005579, OMIM 600669.

Allele frequency attached by ClinVar (database versions not stated): gnomAD exomes below 0.00001.
gnomAD v4.1: 5 of 1,565,890 alleles (0.00032%); highest among the groups gnomAD compares: Non-Finnish European, 0.00043%; no homozygotes.

Submission:

Labcorp Genetics (formerly Invitae), Labcorp
Classification: Uncertain significance for Idiopathic generalized epilepsy. Last evaluated: 2023-12-01. Review status: criteria provided, single submitter. Criteria: Invitae Variant Classification Sherloc (09022015). Collection method: clinical testing. Allele origin: germline.
Comment: This sequence change replaces isoleucine, which is neutral and non-polar, with valine, which is neutral and non-polar, at codon 422 of the GABRD protein (p.Ile422Val). This variant is not present in population databases (gnomAD no frequency). This variant has not been reported in the literature in individuals affected with GABRD-related conditions. An algorithm developed to predict the effect of missense changes on protein structure and function (PolyPhen-2) suggests that this variant is likely to be tolerated. In summary, the available evidence is currently insufficient to determine the role of this variant in disease. Therefore, it has been classified as a Variant of Uncertain Significance.